The following is an entry in ClinVar:

NM_000169.3(GLA):c.283T>C (p.Trp95Arg)

Genes: GLA (galactosidase alpha; minus strand), RPL36A-HNRNPH2 (RPL36A-HNRNPH2 readthrough; plus strand). Cytogenetic location: Xq22.1.
Variant type: single nucleotide variant.
Coding change: c.283T>C on transcript NM_000169.3 (MANE Select); coding-DNA position 283, T replaced by C.
Protein change: p.Trp95Arg; replaces tryptophan 95 with arginine.
Molecular consequence: missense variant. On other transcripts: non-coding transcript variant (3), intron variant (2).
Genome position (GRCh38, 1-based): chrX:101,403,897, A>G on the plus strand (T>C on the coding strand, the complement: GLA is on the minus strand). VCF-style: chrX-101403897-A-G. GRCh37 (hg19) VCF-style: chrX-100658885-A-G.
Other names: c.406T>C, p.Trp136Arg (NM_001406747.1, NM_001406749.1); c.283T>C, p.Trp95Arg (NM_001406748.1); c.301-8039A>G (NM_001199973.2); c.178-8039A>G (NM_001199974.2); short protein forms W136R, W95R.
Identifiers: ClinVar variation 4087330 (VCV004087330.2).
Genomic context (GRCh38, chrX:101,403,897, plus strand): 5'-GAGGAAAGCGCTGAGGGTCTGCCTGAAGTCTGCCTTCTGAATCTCTTTGGGGAGCCATCC[A>G]ACAGTCATCAATGCAGAGGTACTCATAACCTGCATCCTTCCAGCCTTCTGAGACCATGAG-3'
Protein context (NP_000160.1, residues 85-105): GYEYLCIDDC[Trp95Arg]MAPQRDSEGR

ClinVar aggregate classification (germline): Likely pathogenic (1 of 4 stars; one submission).

Conditions:
Fabry disease. Also called: ALPHA-GALACTOSIDASE A DEFICIENCY; ANDERSON-FABRY DISEASE; CERAMIDE TRIHEXOSIDASE DEFICIENCY; GLA DEFICIENCY; HEREDITARY DYSTOPIC LIPIDOSIS; Angiokeratoma corporis diffusum. Identifiers: Orphanet 324, MedGen C0002986, MONDO:0010526, OMIM 301500, HP:0001071. Disease mechanism: Fabry disease is due to inactivating mutations in the X-linked GLA gene resulting in deficiency of the enzyme Alpha Galactosidase-A., loss of function.

Submission:

Genomenon, Inc
Classification: Likely pathogenic for Fabry disease. Last evaluated: 2026-09-08. Review status: criteria provided, single submitter. Criteria: Genomenon Sequence Variant Interpretation Standards - Updated. Collection method: curation. Allele origin: germline. Affected: yes.
Comment: GLA p.Trp95Arg (c.283T>C) is a missense variant that changes the amino acid at codon 95 from Tryptophan to Arginine. This variant has been observed in at least one proband with clinical features consistent with Fabry disease (PMID:33301762). Functional or patient cell studies have been reported (PMID:33204599). This variant is located in a mutational hotspot and/or important functional domain. It is absent or not present at a significant frequency in gnomAD. In silico models predict that this variant is possibly or probably damaging. In conclusion, we classify GLA p.Trp95Arg (c.283T>C) as a likely pathogenic variant.

Literature cited by the submitters: PubMed 33301762; PubMed 33204599.